The following is an entry in ClinVar:

NM_001127208.3(TET2):c.767C>G (p.Ala256Gly)

Genes: TET2 (tet methylcytosine dioxygenase 2; plus strand), TET2-AS1 (TET2 antisense RNA 1; minus strand). Cytogenetic location: 4q24.
Variant type: single nucleotide variant.
Coding change: c.767C>G on transcript NM_001127208.3 (MANE Select); coding-DNA position 767, C replaced by G.
Protein change: p.Ala256Gly; replaces alanine 256 with glycine.
Molecular consequence: missense variant.
Genome position (GRCh38, 1-based): chr4:105,234,709, C>G. VCF-style: chr4-105234709-C-G. GRCh37 (hg19) VCF-style: chr4-106155866-C-G.
Other names: c.767C>G, p.Ala256Gly (NM_017628.4); short protein forms A256G.
Identifiers: ClinVar variation 3381483 (VCV003381483.1).
Genomic context (GRCh38, chr4:105,234,709, plus strand): 5'-ATTGTGTTTCCATTGCGGTGCAGAAAACCACATCTCACATAAATGCCATTAACAGTCAGG[C>G]TACTAATGAGTTGTCCTGTGAGATCACTCACCCATCGCATACCTCAGGGCAGATCAATTC-3'
Protein context (NP_001120680.1, residues 246-266): TSHINAINSQ[Ala256Gly]TNELSCEITH

ClinVar aggregate classification (germline): Uncertain significance (1 of 4 stars; one submission).

gnomAD v4.1: 3 of 1,614,012 alleles (0.00019%); highest among the groups gnomAD compares: Non-Finnish European, 0.00025%; no homozygotes.

Submission:

GeneDx
Classification: Uncertain significance. Last evaluated: 2024-05-19. Review status: criteria provided, single submitter. Criteria: GeneDx Variant Classification Process June 2021. Collection method: clinical testing. Allele origin: germline. Affected: yes.
Comment: Not observed at significant frequency in large population cohorts (gnomAD); In silico analysis indicates that this missense variant does not alter protein structure/function; Has not been previously published as pathogenic or benign to our knowledge